The following is an entry in ClinVar:

NM_001042492.3(NF1):c.610C>G (p.Leu204Val)

Gene: NF1 (neurofibromin 1; plus strand). Cytogenetic location: 17q11.2.
Variant type: single nucleotide variant.
Coding change: c.610C>G on transcript NM_001042492.3 (MANE Select); coding-DNA position 610, C replaced by G.
Protein change: p.Leu204Val; replaces leucine 204 with valine.
Molecular consequence: missense variant.
Genome position (GRCh38, 1-based): chr17:31,181,445, C>G. VCF-style: chr17-31181445-C-G. GRCh37 (hg19) VCF-style: chr17-29508463-C-G.
Other names: c.610C>G, p.Leu204Val (NM_000267.4, NM_001128147.3); short protein forms L204V.
Identifiers: ClinVar variation 1490547 (VCV001490547.10), dbSNP rs1460076498, ClinGen allele CA398989301.

ClinVar aggregate classification (germline): Uncertain significance. Review status: criteria provided, multiple submitters, no conflicts (2 of 4 stars). 4 submissions from 4 submitters: Uncertain significance (4). Last evaluated 2025-01-13.

Conditions:
Cardiovascular phenotype. Identifiers: MedGen CN230736.
Hereditary cancer-predisposing syndrome. Also called: Neoplastic Syndromes, Hereditary; Tumor predisposition; Hereditary neoplastic syndrome; Hereditary Cancer Syndrome. Identifiers: Orphanet 140162, MedGen C0027672, MeSH D009386, MONDO:0015356.
Neurofibromatosis, type 1 (NF1). Also called: NEUROFIBROMATOSIS, TYPE I, SOMATIC; Neurofibromatosis, type I; VON RECKLINGHAUSEN DISEASE; Peripheral type neurofibromatosis. Identifiers: Orphanet 636, MedGen C0027831, MONDO:0018975, OMIM 162200. Disease mechanism: loss of function.

Allele frequency attached by ClinVar (database versions not stated): gnomAD exomes below 0.00001.
gnomAD v4.1: 3 of 1,613,348 alleles (0.00019%); highest among the groups gnomAD compares: Non-Finnish European, 0.00017%; no homozygotes.

Submissions (4):

Ambry Genetics
Classification: Uncertain significance for Cardiovascular phenotype; Hereditary cancer-predisposing syndrome. Last evaluated: 2025-01-13. Review status: criteria provided, single submitter. Criteria: Ambry Variant Classification Scheme 2023. Collection method: clinical testing. Allele origin: germline.
Comment: The p.L204V variant (also known as c.610C>G), located in coding exon 6 of the NF1 gene, results from a C to G substitution at nucleotide position 610. The leucine at codon 204 is replaced by valine, an amino acid with highly similar properties. This amino acid position is conserved. In addition, this alteration is predicted to be deleterious by in silico analysis. Based on the available evidence, the clinical significance of this variant remains unclear.

Genome-Nilou Lab
Classification: Uncertain significance for Neurofibromatosis, type 1. Last evaluated: 2022-03-15. Review status: criteria provided, single submitter. Criteria: ACMG Guidelines, 2015. Collection method: clinical testing. Allele origin: germline. Affected: no.

Sema4
Classification: Uncertain significance for Hereditary cancer-predisposing syndrome. Last evaluated: 2022-02-07. Review status: criteria provided, single submitter. Criteria: Sema4 Curation Guidelines. Collection method: curation. Allele origin: germline.
Comment: The NF1 c.610C>G (p.L204V) variant has not been reported in the literature to our knowledge. The variant is not observed in any sub-population with a sufficient number of total alleles (>=2000), but is observed in 1/250810 chromosomes across all population in the large and broad cohorts of the Genome Aggregation Database (PMID: 32461654). This variant has not been reported in ClinVar. Functional studies have not been performed, and in silico predictions of the variant's effect on protein function are inconclusive. The evidence is insufficient to meet ACMG/AMP criteria for classifying the variant as benign or pathogenic. Thus, the clinical significance of this variant is currently uncertain.

Labcorp Genetics (formerly Invitae), Labcorp
Classification: Uncertain significance for Neurofibromatosis, type 1. Last evaluated: 2021-05-19. Review status: criteria provided, single submitter. Criteria: Invitae Variant Classification Sherloc (09022015). Collection method: clinical testing. Allele origin: germline.
Comment: In summary, the available evidence is currently insufficient to determine the role of this variant in disease. Therefore, it has been classified as a Variant of Uncertain Significance. Advanced modeling of protein sequence and biophysical properties (such as structural, functional, and spatial information, amino acid conservation, physicochemical variation, residue mobility, and thermodynamic stability) performed at Invitae indicates that this missense variant is expected to disrupt NF1 protein function. This variant has not been reported in the literature in individuals with NF1-related conditions. This variant is not present in population databases (ExAC no frequency). This sequence change replaces leucine with valine at codon 204 of the NF1 protein (p.Leu204Val). The leucine residue is highly conserved and there is a small physicochemical difference between leucine and valine.